The following is an entry in ClinVar:

ClinVar aggregate classification (germline): Uncertain significance. Review status: criteria provided, multiple submitters, no conflicts (2 of 4 stars). 2 submissions from 2 submitters: Uncertain significance (2). Last evaluated 2023-06-12.

Conditions:
Retinitis pigmentosa 14 (RP14). Also called: RETINITIS PIGMENTOSA, JUVENILE, TULP1-RELATED. Identifiers: Orphanet 791, MedGen C1838603, MONDO:0010827, OMIM 600132.

Allele frequency attached by ClinVar (database versions not stated): ExAC 0.00001; gnomAD exomes 0.00001.
gnomAD v4.1: 3 of 1,614,114 alleles (0.00019%); highest among the groups gnomAD compares: Admixed American, 0.005%; no homozygotes.

Submissions (2):

3billion
Classification: Uncertain significance for Retinitis pigmentosa 14. Last evaluated: 2023-06-12. Review status: criteria provided, single submitter. Criteria: ACMG Guidelines, 2015. Collection method: clinical testing. Allele origin: germline. Affected: yes.
Comment: The variant is observed at an extremely low frequency in the gnomAD v2.1.1 dataset (total allele frequency: 0.001%). Predicted Consequence/Location: Missense variant In silico tool predictions suggest damaging effect of the variant on gene or gene product (REVEL: 0.99; 3Cnet: 0.97). Therefore, this variant is classified as VUS according to the recommendation of ACMG/AMP guideline.

Labcorp Genetics (formerly Invitae), Labcorp
Classification: Uncertain significance. Last evaluated: 2021-08-22. Review status: criteria provided, single submitter. Criteria: Invitae Variant Classification Sherloc (09022015). Collection method: clinical testing. Allele origin: germline.
Comment: This sequence change replaces leucine with arginine at codon 359 of the TULP1 protein (p.Leu359Arg). The leucine residue is highly conserved and there is a moderate physicochemical difference between leucine and arginine. This variant is present in population databases (rs776792706, ExAC 0.009%). This variant has not been reported in the literature in individuals with TULP1-related disease. Algorithms developed to predict the effect of missense changes on protein structure and function do not agree on the potential impact of this missense change (SIFT: "Deleterious"; PolyPhen-2: "Probably Damaging"; Align-GVGD: "Class C0"). In summary, the available evidence is currently insufficient to determine the role of this variant in disease. Therefore, it has been classified as a Variant of Uncertain Significance.

NM_003322.6(TULP1):c.1076T>G (p.Leu359Arg)

Gene: TULP1 (TUB like protein 1; minus strand). Cytogenetic location: 6p21.31.
Variant type: single nucleotide variant.
Coding change: c.1076T>G on transcript NM_003322.6 (MANE Select); coding-DNA position 1076, T replaced by G.
Protein change: p.Leu359Arg; replaces leucine 359 with arginine.
Molecular consequence: missense variant.
Genome position (GRCh38, 1-based): chr6:35,505,777, A>C on the plus strand (T>G on the coding strand, the complement: TULP1 is on the minus strand). VCF-style: chr6-35505777-A-C. GRCh37 (hg19) VCF-style: chr6-35473554-A-C.
Other names: c.917T>G, p.Leu306Arg (NM_001289395.2); short protein forms L359R, L306R.
Identifiers: ClinVar variation 1518649 (VCV001518649.9), dbSNP rs776792706, ClinGen allele CA3772697.